The following is an entry in ClinVar:

ClinVar aggregate classification (germline): Uncertain significance (1 of 4 stars; one submission).

Conditions:
Hereditary pancreatitis (PCTT). Also called: Hereditary chronic pancreatitis; PRSS1-Related Hereditary Pancreatitis. Identifiers: Orphanet 676, MedGen C0238339, MONDO:0008185, OMIM 167800.

Submission:

Ambry Genetics
Classification: Uncertain significance for Hereditary pancreatitis. Last evaluated: 2024-10-21. Review status: criteria provided, single submitter. Criteria: Ambry Variant Classification Scheme 2023. Collection method: clinical testing. Allele origin: germline.
Comment: The p.G44V variant (also known as c.131G>T), located in coding exon 2 of the PRSS1 gene, results from a G to T substitution at nucleotide position 131. The glycine at codon 44 is replaced by valine, an amino acid with dissimilar properties. This amino acid position is conserved. In addition, this alteration is predicted to be deleterious by in silico analysis. Based on the available evidence, the clinical significance of this variant remains unclear.

NM_002769.5(PRSS1):c.131G>T (p.Gly44Val)

Genes: TRB (T cell receptor beta locus; plus strand), PRSS1 (serine protease 1; plus strand). Cytogenetic location: 7q34.
Variant type: single nucleotide variant.
Coding change: c.131G>T on transcript NM_002769.5 (MANE Select); coding-DNA position 131, G replaced by T.
Protein change: p.Gly44Val; replaces glycine 44 with valine.
Molecular consequence: missense variant. On other transcripts: non-coding transcript variant (4).
Genome position (GRCh38, 1-based): chr7:142,750,645, G>T. VCF-style: chr7-142750645-G-T. GRCh37 (hg19) VCF-style: chr7-142458496-G-T.
Other names: short protein forms G44V.
Identifiers: ClinVar variation 3426337 (VCV003426337.1).